The following is an entry in ClinVar:

ClinVar aggregate classification (germline): Uncertain significance. Review status: criteria provided, multiple submitters, no conflicts (2 of 4 stars). 3 submissions from 3 submitters: Uncertain significance (2). 1 of the submissions does not count toward it. Last evaluated 2024-10-18.

Conditions:
Cohen syndrome (COH1). Also called: Cutis verticis gyrata, retinitis pigmentosa, and sensorineural deafness; PEPPER SYNDROME. Identifiers: Orphanet 193, MedGen C0265223, MONDO:0008999, OMIM 216550.
VPS13B-related disorder. Also called: VPS13B-related condition.

Allele frequency attached by ClinVar (database versions not stated): TOPMed 0.00001; gnomAD 0.00003; ExAC 0.00008.
gnomAD v4.1: 41 of 1,595,606 alleles (0.0026%); highest among the groups gnomAD compares: South Asian, 0.0057%; 1 homozygote.

Submissions (3):

Blueprint Genetics
Classification: Uncertain significance. Last evaluated: 2024-10-18. Review status: criteria provided, single submitter. Criteria: ACMG Guidelines, 2015. Collection method: clinical testing. Allele origin: germline.

Labcorp Genetics (formerly Invitae), Labcorp
Classification: Uncertain significance for Cohen syndrome. Last evaluated: 2022-05-04. Review status: criteria provided, single submitter. Criteria: Invitae Variant Classification Sherloc (09022015). Collection method: clinical testing. Allele origin: germline.
Comment: This sequence change replaces arginine, which is basic and polar, with tryptophan, which is neutral and slightly polar, at codon 3741 of the VPS13B protein (p.Arg3741Trp). This variant is present in population databases (rs773324603, gnomAD 0.01%), including at least one homozygous and/or hemizygous individual. This variant has not been reported in the literature in individuals affected with VPS13B-related conditions. ClinVar contains an entry for this variant (Variation ID: 655502). Algorithms developed to predict the effect of missense changes on protein structure and function are either unavailable or do not agree on the potential impact of this missense change (SIFT: "Not Available"; PolyPhen-2: "Possibly Damaging"; Align-GVGD: "Not Available"). In summary, the available evidence is currently insufficient to determine the role of this variant in disease. Therefore, it has been classified as a Variant of Uncertain Significance.

PreventionGenetics, part of Exact Sciences
Classification: Uncertain significance for VPS13B-related condition. Last evaluated: 2024-05-30. Review status: no assertion criteria provided. Collection method: clinical testing. Allele origin: germline. Not counted in ClinVar's aggregate classification.
Comment: The VPS13B c.11146C>T variant is predicted to result in the amino acid substitution p.Arg3716Trp. To our knowledge, this variant has not been reported in the literature. This variant is reported in 0.015% of alleles in individuals of South Asian descent in gnomAD, including a homozygous individual. Although we suspect that this variant may be benign, at this time, the clinical significance of this variant is uncertain due to the absence of conclusive functional and genetic evidence.

NM_152564.5(VPS13B):c.11146C>T (p.Arg3716Trp)

Gene: VPS13B (vacuolar protein sorting 13 homolog B; plus strand). Cytogenetic location: 8q22.2.
Variant type: single nucleotide variant.
Coding change: c.11146C>T on transcript NM_152564.5 (MANE Select); coding-DNA position 11146, C replaced by T.
Protein change: p.Arg3716Trp; replaces arginine 3716 with tryptophan.
Molecular consequence: missense variant.
Genome position (GRCh38, 1-based): chr8:99,861,877, C>T. VCF-style: chr8-99861877-C-T. GRCh37 (hg19) VCF-style: chr8-100874105-C-T.
Other names: c.11221C>T, p.Arg3741Trp (NM_017890.5); c.11146C>T (NM_152564.4); short protein forms R3716W, R3741W.
Identifiers: ClinVar variation 655502 (VCV000655502.5), dbSNP rs773324603, ClinGen allele CA4825153.